The following is an entry in ClinVar:

NM_001991.5(EZH1):c.1084C>T (p.Arg362Trp)

Gene: EZH1 (enhancer of zeste 1 polycomb repressive complex 2 subunit; minus strand). Cytogenetic location: 17q21.2.
Variant type: single nucleotide variant.
Coding change: c.1084C>T on transcript NM_001991.5 (MANE Select); coding-DNA position 1084, C replaced by T.
Protein change: p.Arg362Trp; replaces arginine 362 with tryptophan.
Molecular consequence: missense variant.
Genome position (GRCh38, 1-based): chr17:42,713,329, G>A on the plus strand (C>T on the coding strand, the complement: EZH1 is on the minus strand). VCF-style: chr17-42713329-G-A. GRCh37 (hg19) VCF-style: chr17-40865347-G-A.
Other names: c.1102C>T, p.Arg368Trp (NM_001321079.2); c.1057C>T, p.Arg353Trp (NM_001321081.2); c.964C>T, p.Arg322Trp (NM_001321082.2); short protein forms R353W, R322W, R362W, R368W.
Identifiers: ClinVar variation 4839249 (VCV004839249.1).

ClinVar aggregate classification (germline): Uncertain significance (1 of 4 stars; one submission).

gnomAD v4.1: 14 of 1,612,454 alleles (0.00087%); highest among the groups gnomAD compares: South Asian, 0.0011%; no homozygotes.

Submission:

Ambry Genetics
Classification: Uncertain significance. Last evaluated: 2026-01-14. Review status: criteria provided, single submitter. Criteria: Ambry Variant Classification Scheme 2023. Collection method: clinical testing. Allele origin: germline.
Comment: The c.1084C>T (p.R362W) alteration is located in exon 11 (coding exon 9) of the EZH1 gene. This alteration results from a C to T substitution at nucleotide position 1084, causing the arginine (R) at amino acid position 362 to be replaced by a tryptophan (W). Based on data from gnomAD, the T allele has an overall frequency of <0.001% (1/251124) total alleles studied. The highest observed frequency was 0.003% (1/30588) of South Asian alleles. Based on insufficient or conflicting evidence, the clinical significance of this alteration remains unclear.